The following is an entry in ClinVar:

ClinVar aggregate classification (germline): Uncertain significance (1 of 4 stars; one submission).

gnomAD v4.1: 12 of 1,613,254 alleles (0.00074%); highest among the groups gnomAD compares: African/African-American, 0.0013%; no homozygotes.

Submission:

GeneDx
Classification: Uncertain significance. Last evaluated: 2020-01-08. Review status: criteria provided, single submitter. Criteria: GeneDx Variant Classification Process June 2021. Collection method: clinical testing. Allele origin: germline. Affected: yes.
Comment: Has not been previously published as pathogenic or benign to our knowledge; Not observed in large population cohorts (Lek et al., 2016); In silico analysis, which includes protein predictors and evolutionary conservation, supports that this variant does not alter protein structure/function

NM_000875.5(IGF1R):c.4072G>C (p.Ala1358Pro)

Gene: IGF1R (insulin like growth factor 1 receptor; plus strand). Cytogenetic location: 15q26.3.
Variant type: single nucleotide variant.
Coding change: c.4072G>C on transcript NM_000875.5 (MANE Select); coding-DNA position 4072, G replaced by C.
Protein change: p.Ala1358Pro; replaces alanine 1358 with proline.
Molecular consequence: missense variant.
Genome position (GRCh38, 1-based): chr15:98,957,410, G>C. VCF-style: chr15-98957410-G-C. GRCh37 (hg19) VCF-style: chr15-99500639-G-C.
Other names: c.4069G>C, p.Ala1357Pro (NM_001291858.2); short protein forms A1357P, A1358P.
Identifiers: ClinVar variation 1310563 (VCV001310563.2), dbSNP rs771590506, ClinGen allele CA275333009.